The following is an entry in ClinVar:

NM_000277.3(PAH):c.1199+5G>A

Gene: PAH (phenylalanine hydroxylase; minus strand). Cytogenetic location: 12q23.2.
Variant type: single nucleotide variant.
Coding change: c.1199+5G>A on transcript NM_000277.3 (MANE Select); 5 bases into the intron after coding-DNA position 1199, G replaced by A.
Molecular consequence: intron variant.
Genome position (GRCh38, 1-based): chr12:102,843,641, C>T on the plus strand (G>A on the coding strand, the complement: PAH is on the minus strand). VCF-style: chr12-102843641-C-T. GRCh37 (hg19) VCF-style: chr12-103237419-C-T.
Other names: c.1199+5G>A (NM_001354304.2).
Identifiers: ClinVar variation 2637578 (VCV002637578.2), dbSNP rs62508674, ClinGen allele CA16020962.

ClinVar aggregate classification (germline): Uncertain significance. Review status: criteria provided, multiple submitters, no conflicts (2 of 4 stars). 2 submissions from 2 submitters: Uncertain significance (2). Last evaluated 2025-09-25.

Conditions:
Phenylketonuria (PKU). Also called: FOLLING DISEASE; Phenylketonurias; Phenylketonuria (PKU); OLIGOPHRENIA PHENYLPYRUVICA. Identifiers: Orphanet 716, MedGen C0031485, MONDO:0009861, OMIM 261600. Disease mechanism: loss of function.

Allele frequency attached by ClinVar (database versions not stated): gnomAD exomes below 0.00001.
gnomAD v4.1: 1 of 1,613,540 alleles (0.000062%); highest among the groups gnomAD compares: Non-Finnish European, 0.000085%; no homozygotes.

Submissions (2):

Labcorp Genetics (formerly Invitae), Labcorp
Classification: Uncertain significance for Phenylketonuria. Last evaluated: 2025-09-25. Review status: criteria provided, single submitter. Criteria: Invitae Variant Classification Sherloc (09022015). Collection method: clinical testing. Allele origin: germline.
Comment: This sequence change falls in intron 11 of the PAH gene. It does not directly change the encoded amino acid sequence of the PAH protein. It affects a nucleotide within the consensus splice site. This variant is not present in population databases (gnomAD no frequency). This variant has been observed in individual(s) with phenylketonuria (PMID: 10980574, 28402322, 29288420, 33465300). This variant is also known as IVS11+5G>A. ClinVar contains an entry for this variant (Variation ID: 2637578). Variants that disrupt the consensus splice site are a relatively common cause of aberrant splicing (PMID: 17576681, 9536098). Algorithms developed to predict the effect of sequence changes on RNA splicing suggest that this variant may disrupt the consensus splice site. In summary, the available evidence is currently insufficient to determine the role of this variant in disease. Therefore, it has been classified as a Variant of Uncertain Significance.

Women's Health and Genetics/Laboratory Corporation of America, LabCorp
Classification: Uncertain significance. Last evaluated: 2023-10-31. Review status: criteria provided, single submitter. Criteria: LabCorp Variant Classification Summary - May 2015. Collection method: clinical testing. Allele origin: germline.
Comment: Variant summary: PAH c.1199+5G>A alters a conserved nucleotide located close to a canonical splice site and therefore could affect mRNA splicing, leading to a significantly altered protein sequence. Several computational tools predict a significant impact on normal splicing: three predict the variant weakens a 5' donor site and one predict the variant abolishes a 5 splicing donor site. However, these predictions have yet to be confirmed by functional studies. The variant was absent in 251230 control chromosomes (gnomAD). c.1199+5G>A has been reported in the literature in at least two compound heterozygous individuals affected with Phenylalanine Hydroxylase Deficiency (Phenylketonuria; e.g., Jennings_2000, Pinto_2017, Hamilton_2017, Ferreira_2021). These data indicate that the variant may be associated with disease. To our knowledge, no experimental evidence demonstrating an impact on protein function has been reported. The following publications have been ascertained in the context of this evaluation (PMID: 33465300, 29288420, 10980574, 28402322). No submitters have reported clinical-significance assessments for this variant to ClinVar after 2014. Based on the evidence outlined above, the variant was classified as VUS-possibly pathogenic.

Literature cited by the submitters: PubMed 10980574 (cited by Labcorp Genetics (formerly Invitae), Labcorp and Women's Health and Genetics/Laboratory Corporation of America, LabCorp); PubMed 28402322 (cited by Labcorp Genetics (formerly Invitae), Labcorp and Women's Health and Genetics/Laboratory Corporation of America, LabCorp); PubMed 29288420 (cited by Labcorp Genetics (formerly Invitae), Labcorp and Women's Health and Genetics/Laboratory Corporation of America, LabCorp); PubMed 33465300 (cited by Labcorp Genetics (formerly Invitae), Labcorp and Women's Health and Genetics/Laboratory Corporation of America, LabCorp); PubMed 17576681 (cited by Labcorp Genetics (formerly Invitae), Labcorp); PubMed 9536098 (cited by Labcorp Genetics (formerly Invitae), Labcorp).